The following is an entry in ClinVar:

ClinVar aggregate classification (germline): Pathogenic (1 of 4 stars; one submission).

Conditions:
Polycystic kidney disease, adult type (PKD1). Also called: Polycystic Kidney, Autosomal Dominant; POLYCYSTIC KIDNEY DISEASE, ADULT, TYPE I; Polycystic Kidney Disease 1, Autosomal Dominant; Polycystic kidney disease 1; Polycystic kidney disease 1, severe; POLYCYSTIC KIDNEY DISEASE 1 WITH OR WITHOUT POLYCYSTIC LIVER DISEASE. Identifiers: MedGen C3149841, MONDO:0008263, OMIM 173900.

Submission:

MVZ Medizinische Genetik Mainz
Classification: Pathogenic for Polycystic kidney disease, adult type. Last evaluated: 2026-06-18. Review status: criteria provided, single submitter. Criteria: UK Practice Guidelines For Variant Classification V4 01 2020. Collection method: clinical testing. Allele origin: germline. Inheritance: Autosomal dominant inheritance. Affected: yes. Observed: 1 variant allele.
Comment: ACMG Criteria: PVS1,PS4_SUP,PM2_SUP,PP4

NM_001009944.3(PKD1):c.7480G>T (p.Glu2494Ter)

Gene: PKD1 (polycystin 1, transient receptor potential channel interacting; minus strand). Cytogenetic location: 16p13.3.
Variant type: single nucleotide variant.
Coding change: c.7480G>T on transcript NM_001009944.3 (MANE Select); coding-DNA position 7480, G replaced by T.
Protein change: p.Glu2494Ter; replaces glutamic acid 2494 with a stop codon.
Molecular consequence: nonsense.
Genome position (GRCh38, 1-based): chr16:2,106,407, C>A on the plus strand (G>T on the coding strand, the complement: PKD1 is on the minus strand). VCF-style: chr16-2106407-C-A. GRCh37 (hg19) VCF-style: chr16-2156408-C-A.
Other names: c.7480G>T, p.Glu2494Ter (NM_000296.4); short protein forms E2494*.
Identifiers: ClinVar variation 4879843 (VCV004879843.1).